The following is an entry in ClinVar:

ClinVar aggregate classification (germline): Uncertain significance (1 of 4 stars; one submission).

Conditions:
Ataxia-telangiectasia syndrome (AT). Also called: ATAXIA-TELANGIECTASIA, COMPLEMENTATION GROUP A; ATAXIA-TELANGIECTASIA, FRESNO VARIANT; Ataxia-telangiectasia; Ataxia-telangiectasia, complementation group D; Ataxia-telangiectasia, complementation group E; AT, COMPLEMENTATION GROUP C. Identifiers: Orphanet 100, MedGen C0004135, MONDO:0008840, OMIM 208900.

Submission:

Labcorp Genetics (formerly Invitae), Labcorp
Classification: Uncertain significance for Ataxia-telangiectasia syndrome. Last evaluated: 2024-12-24. Review status: criteria provided, single submitter. Criteria: Invitae Variant Classification Sherloc (09022015). Collection method: clinical testing. Allele origin: germline.
Comment: This sequence change replaces arginine, which is basic and polar, with leucine, which is neutral and non-polar, at codon 805 of the ATM protein (p.Arg805Leu). Information on the frequency of this variant in the gnomAD database is not available, as this variant may be reported differently in the database. This variant has not been reported in the literature in individuals affected with ATM-related conditions. An algorithm developed to predict the effect of missense changes on protein structure and function (PolyPhen-2) suggests that this variant is likely to be tolerated. In summary, the available evidence is currently insufficient to determine the role of this variant in disease. Therefore, it has been classified as a Variant of Uncertain Significance.

NM_000051.4(ATM):c.2413_2414delinsTT (p.Arg805Leu)

Gene: ATM (ATM serine/threonine kinase; plus strand). Cytogenetic location: 11q22.3.
Variant type: Indel.
Coding change: c.2413_2414delinsTT on transcript NM_000051.4 (MANE Select); coding-DNA positions 2413 to 2414, CG replaced by TT.
Protein change: p.Arg805Leu; replaces arginine 805 with leucine.
Molecular consequence: missense variant.
Genome position (GRCh38, 1-based): chr11:108,259,022-108,259,023, CG replaced by TT. VCF-style: chr11-108259022-CG-TT. GRCh37 (hg19) VCF-style: chr11-108129749-CG-TT.
Other names: c.2413_2414delinsTT, p.Arg805Leu (NM_001351834.2); short protein forms R805L.
Identifiers: ClinVar variation 3727936 (VCV003727936.2).